The following is an entry in ClinVar:

NM_006904.7(PRKDC):c.2924A>G (p.Asp975Gly)

Gene: PRKDC (protein kinase, DNA-activated, catalytic subunit; minus strand). Cytogenetic location: 8q11.21.
Variant type: single nucleotide variant.
Coding change: c.2924A>G on transcript NM_006904.7 (MANE Select); coding-DNA position 2924, A replaced by G.
Protein change: p.Asp975Gly; replaces aspartic acid 975 with glycine.
Molecular consequence: missense variant.
Genome position (GRCh38, 1-based): chr8:47,912,420, T>C on the plus strand (A>G on the coding strand, the complement: PRKDC is on the minus strand). VCF-style: chr8-47912420-T-C. GRCh37 (hg19) VCF-style: chr8-48824980-T-C.
Other names: c.2924A>G, p.Asp975Gly (NM_001081640.2); short protein forms D975G.
Identifiers: ClinVar variation 2453272 (VCV002453272.2), dbSNP rs1351308193, ClinGen allele CA371158616.

ClinVar aggregate classification (germline): Uncertain significance (1 of 4 stars; one submission).

gnomAD v4.1: 51 of 1,589,228 alleles (0.0032%); highest among the groups gnomAD compares: Non-Finnish European, 0.0044%; no homozygotes.

Submission:

Ambry Genetics
Classification: Uncertain significance. Last evaluated: 2022-12-16. Review status: criteria provided, single submitter. Criteria: Ambry Variant Classification Scheme 2023. Collection method: clinical testing. Allele origin: germline.
Comment: The p.D975G variant (also known as c.2924A>G), located in coding exon 25 of the PRKDC gene, results from an A to G substitution at nucleotide position 2924. The aspartic acid at codon 975 is replaced by glycine, an amino acid with similar properties. This amino acid position is conserved. In addition, this alteration is predicted to be deleterious by in silico analysis. Since supporting evidence is limited at this time, the clinical significance of this alteration remains unclear.